The following is an entry in ClinVar:

NM_000939.4(POMC):c.327G>C (p.Ala109=)

Gene: POMC (proopiomelanocortin; minus strand). Cytogenetic location: 2p23.3.
Variant type: single nucleotide variant.
Coding change: c.327G>C on transcript NM_000939.4 (MANE Select); coding-DNA position 327, G replaced by C.
Protein change: p.Ala109=; no amino-acid change (alanine 109 retained).
Molecular consequence: synonymous variant.
Genome position (GRCh38, 1-based): chr2:25,161,558, C>G on the plus strand (G>C on the coding strand, the complement: POMC is on the minus strand). VCF-style: chr2-25161558-C-G. GRCh37 (hg19) VCF-style: chr2-25384427-C-G.
Other names: c.327G>C, p.Ala109= (NM_001035256.3, NM_001319204.2, NM_001319205.2).
Identifiers: ClinVar variation 4977319 (VCV004977319.1).

ClinVar aggregate classification (germline): Likely benign (1 of 4 stars; one submission).

Conditions:
POMC-related disorder. Also called: POMC-related condition; POMC-related disorders.

gnomAD v4.1: 60 of 1,571,866 alleles (0.0038%); highest among the groups gnomAD compares: Non-Finnish European, 0.0047%; no homozygotes.

Submission:

PreventionGenetics, part of Exact Sciences
Classification: Likely benign for POMC-related condition. Last evaluated: 2025-08-07. Review status: criteria provided, single submitter. Criteria: ACMG Guidelines, 2015. Collection method: clinical testing. Allele origin: germline.
Comment: This variant is classified as likely benign based on ACMG/AMP sequence variant interpretation guidelines (Richards et al. 2015 PMID: 25741868, with internal and published modifications).